The following is an entry in ClinVar:

NM_000051.4(ATM):c.596G>A (p.Cys199Tyr)

Gene: ATM (ATM serine/threonine kinase; plus strand). Cytogenetic location: 11q22.3.
Variant type: single nucleotide variant.
Coding change: c.596G>A on transcript NM_000051.4 (MANE Select); coding-DNA position 596, G replaced by A.
Protein change: p.Cys199Tyr; replaces cysteine 199 with tyrosine.
Molecular consequence: missense variant.
Genome position (GRCh38, 1-based): chr11:108,244,052, G>A. VCF-style: chr11-108244052-G-A. GRCh37 (hg19) VCF-style: chr11-108114779-G-A.
Other names: c.596G>A, p.Cys199Tyr (NM_001351834.2); short protein forms C199Y.
Identifiers: ClinVar variation 246156 (VCV000246156.12), dbSNP rs879254127, ClinGen allele CA10584315.

ClinVar aggregate classification (germline): Uncertain significance. Review status: criteria provided, multiple submitters, no conflicts (2 of 4 stars). 4 submissions from 4 submitters: Uncertain significance (3). 1 of the submissions does not count toward it. Last evaluated 2023-02-08.

Conditions:
Ataxia-telangiectasia syndrome (AT). Also called: Cerebello-oculocutaneous telangiectasia; Immunodeficiency with ataxia telangiectasia; Ataxia-telangiectasia; Ataxia telangiectasia (A-T); LOUIS-BAR SYNDROME; Ataxia-telangiectasia, complementation group D. Identifiers: Orphanet 100, MedGen C0004135, MONDO:0008840, OMIM 208900.
Hereditary cancer-predisposing syndrome. Also called: Neoplastic Syndromes, Hereditary; Tumor predisposition; Hereditary neoplastic syndrome; Hereditary Cancer Syndrome. Identifiers: Orphanet 140162, MedGen C0027672, MeSH D009386, MONDO:0015356.

Allele frequency attached by ClinVar (database versions not stated): gnomAD exomes 0.00001.
gnomAD v4.1: 6 of 1,613,496 alleles (0.00037%); highest among the groups gnomAD compares: Non-Finnish European, 0.00051%; no homozygotes.

Submissions (4):

Labcorp Genetics (formerly Invitae), Labcorp
Classification: Uncertain significance for Ataxia-telangiectasia syndrome. Last evaluated: 2023-02-08. Review status: criteria provided, single submitter. Criteria: Invitae Variant Classification Sherloc (09022015). Collection method: clinical testing. Allele origin: germline.
Comment: This sequence change replaces cysteine, which is neutral and slightly polar, with tyrosine, which is neutral and polar, at codon 199 of the ATM protein (p.Cys199Tyr). This variant is present in population databases (no rsID available, gnomAD 0.0009%). This variant has not been reported in the literature in individuals affected with ATM-related conditions. ClinVar contains an entry for this variant (Variation ID: 246156). Algorithms developed to predict the effect of missense changes on protein structure and function are either unavailable or do not agree on the potential impact of this missense change (SIFT: "Deleterious"; PolyPhen-2: "Probably Damaging"; Align-GVGD: "Class C0"). In summary, the available evidence is currently insufficient to determine the role of this variant in disease. Therefore, it has been classified as a Variant of Uncertain Significance.

Color Diagnostics, LLC DBA Color Health
Classification: Uncertain significance for Hereditary cancer-predisposing syndrome. Last evaluated: 2021-11-17. Review status: criteria provided, single submitter. Criteria: ACMG Guidelines, 2015. Collection method: clinical testing. Allele origin: germline.
Comment: This missense variant replaces cysteine with tyrosine at codon 199 of the ATM protein. Computational prediction is inconclusive regarding the impact of this variant on protein structure and function (internally defined REVEL score threshold 0.5 < inconclusive < 0.7, PMID: 27666373). To our knowledge, functional studies have not been reported for this variant. This variant has not been reported in individuals affected with hereditary cancer in the literature. This variant has not been identified in the general population by the Genome Aggregation Database (gnomAD). The available evidence is insufficient to determine the role of this variant in disease conclusively. Therefore, this variant is classified as a Variant of Uncertain Significance.

GeneDx
Classification: Uncertain significance. Last evaluated: 2015-11-24. Review status: criteria provided, single submitter. Criteria: GeneDx Variant Classification (06012015). Collection method: clinical testing. Allele origin: germline. Affected: yes.
Comment: This variant is denoted ATM c.596G>A at the cDNA level, p.Cys199Tyr (C199Y) at the protein level, and results in the change of a Cysteine to a Tyrosine (TGT>TAT). This variant has not, to our knowledge, been published in the literature as pathogenic or benign. ATM Cys199Tyr was not observed in approximately 6,500 individuals of European and African American ancestry in the NHLBI Exome Sequencing Project, suggesting it is not a common benign variant in these populations. Since Cysteine and Tyrosine differ in polarity, charge, size or other properties, this is considered a non-conservative amino acid substitution. ATM Cys199Tyr occurs at a position that is conserved across species and is not located in a known functional domain (Tavtigian 2009, Stracker 2013). In silico analyses predict that this variant is probably damaging to protein structure and function. Based on currently available evidence, it is unclear whether ATM Cys199Tyr is a pathogenic or benign variant. We consider it to be a variant of uncertain significance.

Natera, Inc.
Classification: Uncertain significance for Ataxia-telangiectasia. Last evaluated: 2021-06-19. Review status: no assertion criteria provided. Collection method: clinical testing. Allele origin: germline. Not counted in ClinVar's aggregate classification.